The following is an entry in ClinVar:

ClinVar aggregate classification (germline): Uncertain significance. Review status: criteria provided, multiple submitters, no conflicts (2 of 4 stars). 3 submissions from 3 submitters: Uncertain significance (3). Last evaluated 2025-06-27.

Conditions:
Cardiovascular phenotype. Identifiers: MedGen CN230736.
Arrhythmogenic right ventricular dysplasia 10. Also called: Arrhythmogenic right ventricular dysplasia/cardiomyopathy, type 10; Arrhythmogenic Right Ventricular Dysplasia/Cardiomyopathy10; ARRHYTHMOGENIC RIGHT VENTRICULAR DYSPLASIA, FAMILIAL, 10. Identifiers: MedGen C1857777, MONDO:0012434, OMIM 610193.
Cardiomyopathy (CMYO). Also called: Cardiomyopathies. Identifiers: Orphanet 167848, MedGen C0878544, MONDO:0004994, HP:0001638. Inheritance: Various modes of inheritance.

Allele frequency attached by ClinVar (database versions not stated): gnomAD 0.00001; gnomAD exomes 0.00001 and 0.00005; ExAC 0.00002.
gnomAD v4.1: 29 of 1,614,088 alleles (0.0018%); highest among the groups gnomAD compares: East Asian, 0.065%; no homozygotes.

Submissions (3):

Labcorp Genetics (formerly Invitae), Labcorp
Classification: Uncertain significance for Arrhythmogenic right ventricular dysplasia 10. Last evaluated: 2025-06-27. Review status: criteria provided, single submitter. Criteria: Invitae Variant Classification Sherloc (09022015). Collection method: clinical testing. Allele origin: germline.
Comment: This sequence change replaces leucine, which is neutral and non-polar, with tryptophan, which is neutral and slightly polar, at codon 894 of the DSG2 protein (p.Leu894Trp). This variant is present in population databases (rs759746836, gnomAD 0.02%). This missense change has been observed in individual(s) with arrhythmogenic right ventricular cardiomyopathy (PMID: 29178656). ClinVar contains an entry for this variant (Variation ID: 919189). Invitae Evidence Modeling of protein sequence and biophysical properties (such as structural, functional, and spatial information, amino acid conservation, physicochemical variation, residue mobility, and thermodynamic stability) has been performed for this missense variant. However, the output from this modeling did not meet the statistical confidence thresholds required to predict the impact of this variant on DSG2 protein function. In summary, the available evidence is currently insufficient to determine the role of this variant in disease. Therefore, it has been classified as a Variant of Uncertain Significance.

Color Diagnostics, LLC DBA Color Health
Classification: Uncertain significance for Cardiomyopathy. Last evaluated: 2025-04-01. Review status: criteria provided, single submitter. Criteria: ACMG Guidelines, 2015. Collection method: clinical testing. Allele origin: germline.
Comment: This missense variant replaces leucine with tryptophan at codon 894 of the DSG2 protein. Computational prediction suggests that this variant may not impact protein structure and function. To our knowledge, functional studies have not been reported for this variant. This variant has been reported individual(s) affected with arrhythmogenic right ventricular cardiomyopathy (PMID: 29178656, 32877757, doi:10.24509/jpccs.20-004). This variant has been identified in 3/248914 chromosomes in the general population by the Genome Aggregation Database (gnomAD). The available evidence is insufficient to determine the role of this variant in disease conclusively. Therefore, this variant is classified as a Variant of Uncertain Significance.

Ambry Genetics
Classification: Uncertain significance for Cardiovascular phenotype. Last evaluated: 2023-03-18. Review status: criteria provided, single submitter. Criteria: Ambry Variant Classification Scheme 2023. Collection method: clinical testing. Allele origin: germline.
Comment: The p.L894W variant (also known as c.2681T>G), located in coding exon 15 of the DSG2 gene, results from a T to G substitution at nucleotide position 2681. The leucine at codon 894 is replaced by tryptophan, an amino acid with similar properties. This alteration has been reported in an arrhythmogenic right ventricular cardiomyopathy (ARVC) cohort; however, clinical details were limited (Wada Y et al. Mol Genet Genomic Med, 2017 Nov;5:639-651). This alteration was observed in a Japanese population cohort of 2049 individuals who underwent whole-genome sequencing (Yamaguchi-Kabata Y et al. J Hum Genet, 2018 Feb;63:213-230). This amino acid position is not well conserved in available vertebrate species. In addition, this alteration is predicted to be tolerated by in silico analysis. Since supporting evidence is limited at this time, the clinical significance of this alteration remains unclear.

Literature cited by the submitters: PubMed 29178656 (cited by 3 submitters); PubMed 32877757 (cited by Color Diagnostics, LLC DBA Color Health); PubMed 29192238 (cited by Ambry Genetics).

NM_001943.5(DSG2):c.2681T>G (p.Leu894Trp)

Genes: DSG2 (desmoglein 2; plus strand), DSG2-AS1 (DSG2 antisense RNA 1; minus strand). Cytogenetic location: 18q12.1.
Variant type: single nucleotide variant.
Coding change: c.2681T>G on transcript NM_001943.5 (MANE Select); coding-DNA position 2681, T replaced by G.
Protein change: p.Leu894Trp; replaces leucine 894 with tryptophan.
Molecular consequence: missense variant.
Genome position (GRCh38, 1-based): chr18:31,546,067, T>G. VCF-style: chr18-31546067-T-G. GRCh37 (hg19) VCF-style: chr18-29126030-T-G.
Other names: c.2681T>G (NM_001943.3); short protein forms L894W.
Identifiers: ClinVar variation 919189 (VCV000919189.10), dbSNP rs759746836, ClinGen allele CA046827.